The following is an entry in ClinVar:

NM_030665.4(RAI1):c.454C>A (p.Pro152Thr)

Gene: RAI1 (retinoic acid induced 1; plus strand). Cytogenetic location: 17p11.2.
Variant type: single nucleotide variant.
Coding change: c.454C>A on transcript NM_030665.4 (MANE Select); coding-DNA position 454, C replaced by A.
Protein change: p.Pro152Thr; replaces proline 152 with threonine.
Molecular consequence: missense variant.
Genome position (GRCh38, 1-based): chr17:17,793,402, C>A. VCF-style: chr17-17793402-C-A. GRCh37 (hg19) VCF-style: chr17-17696716-C-A.
Other names: c.454C>A (NM_030665.3); short protein forms P152T.
Identifiers: ClinVar variation 1376600 (VCV001376600.9), dbSNP rs755899326, ClinGen allele CA8418126.

ClinVar aggregate classification (germline): Conflicting classifications of pathogenicity. Review status: criteria provided, conflicting classifications (1 of 4 stars). 4 submissions from 4 submitters: Uncertain significance (1); Benign (1); Likely benign (2). Last evaluated 2025-07-29.

Conditions:
Inborn genetic diseases. Identifiers: MedGen C0950123, MeSH D030342.
RAI1-related disorder. Also called: RAI1-related condition.
Smith-Magenis syndrome (SMS). Also called: CHROMOSOME 17p11.2 DELETION SYNDROME. Identifiers: Orphanet 819, MedGen C0795864, MONDO:0008434, OMIM 182290.

Allele frequency attached by ClinVar (database versions not stated): gnomAD 0.00001 and 0.00005; gnomAD exomes 0.00002; TOPMed 0.00002; ExAC 0.00003.
gnomAD v4.1: 94 of 1,613,558 alleles (0.0058%); highest among the groups gnomAD compares: East Asian, 0.2%; no homozygotes.

Submissions (4):

PreventionGenetics, part of Exact Sciences
Classification: Likely benign for RAI1-related condition. Last evaluated: 2025-07-29. Review status: criteria provided, single submitter. Criteria: ACMG Guidelines, 2015. Collection method: clinical testing. Allele origin: germline.
Comment: This variant is classified as likely benign based on ACMG/AMP sequence variant interpretation guidelines (Richards et al. 2015 PMID: 25741868, with internal and published modifications).

Ambry Genetics
Classification: Likely benign for Inborn genetic diseases. Last evaluated: 2025-02-07. Review status: criteria provided, single submitter. Criteria: Ambry Variant Classification Scheme 2023. Collection method: clinical testing. Allele origin: germline.

Labcorp Genetics (formerly Invitae), Labcorp
Classification: Benign. Last evaluated: 2024-04-10. Review status: criteria provided, single submitter. Criteria: Invitae Variant Classification Sherloc (09022015). Collection method: clinical testing. Allele origin: germline.

Fulgent Genetics
Classification: Uncertain significance for Smith-Magenis syndrome. Last evaluated: 2022-05-03. Review status: criteria provided, single submitter. Criteria: ACMG Guidelines, 2015. Collection method: clinical testing. Allele origin: unknown.